The following is an entry in ClinVar:

NM_002076.4(GNS):c.688G>A (p.Ala230Thr)

Gene: GNS (glucosamine (N-acetyl)-6-sulfatase; minus strand). Cytogenetic location: 12q14.3.
Variant type: single nucleotide variant.
Coding change: c.688G>A on transcript NM_002076.4 (MANE Select); coding-DNA position 688, G replaced by A.
Protein change: p.Ala230Thr; replaces alanine 230 with threonine.
Molecular consequence: missense variant.
Genome position (GRCh38, 1-based): chr12:64,743,245, C>T on the plus strand (G>A on the coding strand, the complement: GNS is on the minus strand). VCF-style: chr12-64743245-C-T. GRCh37 (hg19) VCF-style: chr12-65137025-C-T.
Other names: short protein forms A230T.
Identifiers: ClinVar variation 579944 (VCV000579944.5), dbSNP rs140270805, ClinGen allele CA6669870.

ClinVar aggregate classification (germline): Uncertain significance. Review status: criteria provided, single submitter (1 of 4 stars). 2 submissions from 2 submitters: Uncertain significance (1). 1 of the submissions does not count toward it. Last evaluated 2022-03-26.

Conditions:
Mucopolysaccharidosis, MPS-III-D (MPS3D). Also called: MPS III D; Mucopoly-saccharidosis type 3D; N-acetylglucosamine-6-sulfate sulfatase deficiency; MPS 3D; MPS IIID (Sanfilippo Syndrome Type D); N-ACETYLGLUCOSAMINE-6-SULFATASE DEFICIENCY. Identifiers: Orphanet 581, Orphanet 79272, MedGen C0086650, MONDO:0009658, OMIM 252940.
Sanfilippo syndrome. Also called: Sanfilippo disease; Mucopolysaccharidosis type 3; Mucopolysaccharidosis Type III. Identifiers: Orphanet 581, MedGen C0026706, MONDO:0018937.

Allele frequency attached by ClinVar (database versions not stated): gnomAD 0.00003 and 0.00004; gnomAD exomes 0.00003 and 0.00002; TOPMed 0.00003; ExAC 0.00004; ESP Exome Variant Server 0.00008.
gnomAD v4.1: 40 of 1,612,052 alleles (0.0025%); highest among the groups gnomAD compares: Non-Finnish European, 0.0031%; no homozygotes.

Submissions (2):

Labcorp Genetics (formerly Invitae), Labcorp
Classification: Uncertain significance for Mucopolysaccharidosis, MPS-III-D. Last evaluated: 2022-03-26. Review status: criteria provided, single submitter. Criteria: Invitae Variant Classification Sherloc (09022015). Collection method: clinical testing. Allele origin: germline.
Comment: This sequence change replaces alanine, which is neutral and non-polar, with threonine, which is neutral and polar, at codon 230 of the GNS protein (p.Ala230Thr). The frequency data for this variant in the population databases is considered unreliable, as metrics indicate poor data quality at this position in the gnomAD database. This variant has not been reported in the literature in individuals affected with GNS-related conditions. ClinVar contains an entry for this variant (Variation ID: 579944). Algorithms developed to predict the effect of missense changes on protein structure and function (SIFT, PolyPhen-2, Align-GVGD) all suggest that this variant is likely to be tolerated. In summary, the available evidence is currently insufficient to determine the role of this variant in disease. Therefore, it has been classified as a Variant of Uncertain Significance.

Natera, Inc.
Classification: Uncertain significance for Sanfilippo disease. Last evaluated: 2019-10-28. Review status: no assertion criteria provided. Collection method: clinical testing. Allele origin: germline. Not counted in ClinVar's aggregate classification.